The following is an entry in ClinVar:

ClinVar aggregate classification (germline): Uncertain significance (1 of 4 stars; one submission).

Conditions:
Focal segmental glomerulosclerosis 5 (FSGS5). Identifiers: Orphanet 656, MedGen C2750475, MONDO:0013191, OMIM 613237.
Charcot-Marie-Tooth disease dominant intermediate E. Also called: CHARCOT-MARIE-TOOTH NEUROPATHY WITH FOCAL SEGMENTAL GLOMERULONEPHRITIS. Identifiers: Orphanet 93114, MedGen C4302667, MONDO:0013758, OMIM 614455.

Submission:

Labcorp Genetics (formerly Invitae), Labcorp
Classification: Uncertain significance for Charcot-Marie-Tooth disease dominant intermediate E; Focal segmental glomerulosclerosis 5. Last evaluated: 2025-11-28. Review status: criteria provided, single submitter. Criteria: Invitae Variant Classification Sherloc (09022015). Collection method: clinical testing. Allele origin: germline.
Comment: This sequence change replaces cysteine, which is neutral and slightly polar, with arginine, which is basic and polar, at codon 101 of the INF2 protein (p.Cys101Arg). This variant is not present in population databases (gnomAD no frequency). This missense change has been observed in individual(s) with clinical features of INF2-related conditions (internal data). Invitae Evidence Modeling of protein sequence and biophysical properties (such as structural, functional, and spatial information, amino acid conservation, physicochemical variation, residue mobility, and thermodynamic stability) indicates that this missense variant is expected to disrupt INF2 protein function with a positive predictive value of 95%. In summary, the available evidence is currently insufficient to determine the role of this variant in disease. Therefore, it has been classified as a Variant of Uncertain Significance.

NM_022489.4(INF2):c.301T>C (p.Cys101Arg)

Gene: INF2 (inverted formin 2; plus strand). Cytogenetic location: 14q32.33.
Variant type: single nucleotide variant.
Coding change: c.301T>C on transcript NM_022489.4 (MANE Select); coding-DNA position 301, T replaced by C.
Protein change: p.Cys101Arg; replaces cysteine 101 with arginine.
Molecular consequence: missense variant. On other transcripts: non-coding transcript variant (1).
Genome position (GRCh38, 1-based): chr14:104,701,666, T>C. VCF-style: chr14-104701666-T-C. GRCh37 (hg19) VCF-style: chr14-105168003-T-C.
Other names: c.301T>C, p.Cys101Arg (NM_001031714.4, NM_001426862.1, NM_001426863.1 and 6 more transcripts); short protein forms C101R.
Identifiers: ClinVar variation 4794798 (VCV004794798.1).
Genomic context (GRCh38, chr14:104,701,666, plus strand): 5'-CTGGCGCGGCTGTCGGGCCGCGGCGTTGCACGTATCTCCGACGCCCTGCTGCAGCTCACC[T>C]GCGTCAGCTGCGTGCGCGCCGTCATGAACTCGCGGCAGGGCATCGAGTACATCCTCAGCA-3'
Protein context (NP_071934.3, residues 91-111): RISDALLQLT[Cys101Arg]VSCVRAVMNS